The following is an entry in ClinVar:

ClinVar aggregate classification (germline): Uncertain significance (1 of 4 stars; one submission).

Submission:

Labcorp Genetics (formerly Invitae), Labcorp
Classification: Uncertain significance. Last evaluated: 2023-06-29. Review status: criteria provided, single submitter. Criteria: Invitae Variant Classification Sherloc (09022015). Collection method: clinical testing. Allele origin: germline.
Comment: This sequence change replaces leucine, which is neutral and non-polar, with valine, which is neutral and non-polar, at codon 1376 of the SON protein (p.Leu1376Val). This variant is not present in population databases (gnomAD no frequency). This variant has not been reported in the literature in individuals affected with SON-related conditions. ClinVar contains an entry for this variant (Variation ID: 2105434). An algorithm developed to predict the effect of missense changes on protein structure and function (PolyPhen-2) suggests that this variant is likely to be tolerated. In summary, the available evidence is currently insufficient to determine the role of this variant in disease. Therefore, it has been classified as a Variant of Uncertain Significance.

NM_138927.4(SON):c.4126C>G (p.Leu1376Val)

Gene: SON (SON DNA and RNA binding protein; plus strand). Cytogenetic location: 21q22.11.
Variant type: single nucleotide variant.
Coding change: c.4126C>G on transcript NM_138927.4 (MANE Select); coding-DNA position 4126, C replaced by G.
Protein change: p.Leu1376Val; replaces leucine 1376 with valine.
Molecular consequence: missense variant. On other transcripts: non-coding transcript variant (1), intron variant (1).
Genome position (GRCh38, 1-based): chr21:33,553,357, C>G. VCF-style: chr21-33553357-C-G. GRCh37 (hg19) VCF-style: chr21-34925663-C-G.
Other names: c.4126C>G, p.Leu1376Val (NM_001291411.2, NM_001412133.1, NM_032195.3 and 2 more transcripts); c.245-3799C>G (NM_001291412.3); short protein forms L1376V.
Identifiers: ClinVar variation 2105434 (VCV002105434.4), dbSNP rs761973913, ClinGen allele CA410162004.